The following is an entry in ClinVar:

NM_004341.5(CAD):c.3438G>T (p.Val1146=)

Gene: CAD (carbamoyl-phosphate synthetase 2, aspartate transcarbamylase, and dihydroorotase; plus strand). Cytogenetic location: 2p23.3.
Variant type: single nucleotide variant.
Coding change: c.3438G>T on transcript NM_004341.5 (MANE Select); coding-DNA position 3438, G replaced by T.
Protein change: p.Val1146=; no amino-acid change (valine 1146 retained).
Molecular consequence: synonymous variant.
Genome position (GRCh38, 1-based): chr2:27,234,046, G>T. VCF-style: chr2-27234046-G-T. GRCh37 (hg19) VCF-style: chr2-27456914-G-T.
Other names: c.3438G>T (NM_004341.4); c.3249G>T, p.Val1083= (NM_001306079.2).
Identifiers: ClinVar variation 1916175 (VCV001916175.7), dbSNP rs756080723, ClinGen allele CA1573285.

ClinVar aggregate classification (germline): Likely benign. Review status: criteria provided, single submitter (1 of 4 stars). 2 submissions from 2 submitters: Likely benign (1). 1 of the submissions does not count toward it. Last evaluated 2023-07-25.

Conditions:
CAD-related disorder. Also called: CAD-related condition.

Allele frequency attached by ClinVar (database versions not stated): gnomAD 0.00001; ExAC 0.00002; gnomAD exomes 0.00002; TOPMed 0.00002.
gnomAD v4.1: 24 of 1,613,992 alleles (0.0015%); highest among the groups gnomAD compares: Non-Finnish European, 0.002%; no homozygotes.

Submissions (2):

Labcorp Genetics (formerly Invitae), Labcorp
Classification: Likely benign. Last evaluated: 2023-07-25. Review status: criteria provided, single submitter. Criteria: Invitae Variant Classification Sherloc (09022015). Collection method: clinical testing. Allele origin: germline.

PreventionGenetics, part of Exact Sciences
Classification: Likely benign for CAD-related condition. Last evaluated: 2019-03-15. Review status: no assertion criteria provided. Collection method: clinical testing. Allele origin: germline. Not counted in ClinVar's aggregate classification.
Comment: This variant is classified as likely benign based on ACMG/AMP sequence variant interpretation guidelines (Richards et al. 2015 PMID: 25741868, with internal and published modifications).